The following is an entry in ClinVar:

NM_018249.6(CDK5RAP2):c.1092+2dup

Gene: CDK5RAP2 (CDK5 regulatory subunit associated protein 2; minus strand). Cytogenetic location: 9q33.2.
Variant type: Duplication.
Coding change: c.1092+2dup on transcript NM_018249.6 (MANE Select); the canonical splice donor site of the intron after coding-DNA position 1092, one base duplicated (T; older notation c.1092+2dupT).
Molecular consequence: splice donor variant.
Genome position (GRCh38, 1-based): chr9:120,524,984, A duplicated on the plus strand (T on the coding strand, the reverse complement: CDK5RAP2 is on the minus strand). VCF-style (leftmost placement, unchanged base first): chr9-120524983-T-TA. GRCh37 (hg19) VCF-style: chr9-123287261-T-TA.
Other names: c.1092+2dup (NM_001272039.2, NM_001410992.1, NM_001410994.1 and 2 more transcripts).
Identifiers: ClinVar variation 3628946 (VCV003628946.1).

ClinVar aggregate classification (germline): Uncertain significance (1 of 4 stars; one submission).

Submission:

Labcorp Genetics (formerly Invitae), Labcorp
Classification: Uncertain significance. Last evaluated: 2024-04-15. Review status: criteria provided, single submitter. Criteria: Invitae Variant Classification Sherloc (09022015). Collection method: clinical testing. Allele origin: germline.
Comment: This sequence change falls in intron 11 of the CDK5RAP2 gene. It does not directly change the encoded amino acid sequence of the CDK5RAP2 protein. It affects a nucleotide within the consensus splice site. This variant is present in population databases (rs777148826, gnomAD 0.006%). This variant has not been reported in the literature in individuals affected with CDK5RAP2-related conditions. Variants that disrupt the consensus splice site are a relatively common cause of aberrant splicing (PMID: 17576681, 9536098). Algorithms developed to predict the effect of sequence changes on RNA splicing suggest that this variant may disrupt the consensus splice site. In summary, the available evidence is currently insufficient to determine the role of this variant in disease. Therefore, it has been classified as a Variant of Uncertain Significance.

Literature cited by the submitters: PubMed 17576681; PubMed 9536098.